The following is an entry in ClinVar:

NM_001205293.3(CACNA1E):c.6784C>T (p.Arg2262Cys)

Gene: CACNA1E (calcium voltage-gated channel subunit alpha1 E; plus strand). Cytogenetic location: 1q25.3.
Variant type: single nucleotide variant.
Coding change: c.6784C>T on transcript NM_001205293.3 (MANE Select); coding-DNA position 6784, C replaced by T.
Protein change: p.Arg2262Cys; replaces arginine 2262 with cysteine.
Molecular consequence: missense variant.
Genome position (GRCh38, 1-based): chr1:181,798,676, C>T. VCF-style: chr1-181798676-C-T. GRCh37 (hg19) VCF-style: chr1-181767812-C-T.
Other names: c.6655C>T, p.Arg2219Cys (NM_000721.4); c.6598C>T, p.Arg2200Cys (NM_001205294.2); short protein forms R2262C, R2219C, R2200C.
Identifiers: ClinVar variation 1904450 (VCV001904450.5), dbSNP rs751733559, ClinGen allele CA1276494.

ClinVar aggregate classification (germline): Uncertain significance (1 of 4 stars; one submission).

Allele frequency attached by ClinVar (database versions not stated): ExAC 0.00001; gnomAD exomes 0.00001; TOPMed 0.00001; gnomAD 0.00002.
gnomAD v4.1: 17 of 1,608,746 alleles (0.0011%); highest among the groups gnomAD compares: Admixed American, 0.0033%; no homozygotes.

Submission:

Labcorp Genetics (formerly Invitae), Labcorp
Classification: Uncertain significance. Last evaluated: 2025-04-18. Review status: criteria provided, single submitter. Criteria: Invitae Variant Classification Sherloc (09022015). Collection method: clinical testing. Allele origin: germline.
Comment: This sequence change replaces arginine, which is basic and polar, with cysteine, which is neutral and slightly polar, at codon 2219 of the CACNA1E protein (p.Arg2219Cys). This variant is present in population databases (rs751733559, gnomAD 0.003%). This variant has not been reported in the literature in individuals affected with CACNA1E-related conditions. ClinVar contains an entry for this variant (Variation ID: 1904450). Invitae Evidence Modeling of protein sequence and biophysical properties (such as structural, functional, and spatial information, amino acid conservation, physicochemical variation, residue mobility, and thermodynamic stability) has been performed for this missense variant. However, the output from this modeling did not meet the statistical confidence thresholds required to predict the impact of this variant on CACNA1E protein function. In summary, the available evidence is currently insufficient to determine the role of this variant in disease. Therefore, it has been classified as a Variant of Uncertain Significance.